The following is an entry in ClinVar:

NM_139057.4(ADAMTS17):c.1646G>T (p.Trp549Leu)

Gene: ADAMTS17 (ADAM metallopeptidase with thrombospondin type 1 motif 17; minus strand). Cytogenetic location: 15q26.3.
Variant type: single nucleotide variant.
Coding change: c.1646G>T on transcript NM_139057.4 (MANE Select); coding-DNA position 1646, G replaced by T.
Protein change: p.Trp549Leu; replaces tryptophan 549 with leucine.
Molecular consequence: missense variant.
Genome position (GRCh38, 1-based): chr15:100,132,082, C>A on the plus strand (G>T on the coding strand, the complement: ADAMTS17 is on the minus strand). VCF-style: chr15-100132082-C-A. GRCh37 (hg19) VCF-style: chr15-100672287-C-A.
Other names: short protein forms W549L.
Identifiers: ClinVar variation 1996958 (VCV001996958.4), dbSNP rs2548392452, ClinGen allele CA393933639.

ClinVar aggregate classification (germline): Uncertain significance (1 of 4 stars; one submission).

Submission:

Labcorp Genetics (formerly Invitae), Labcorp
Classification: Uncertain significance. Last evaluated: 2022-05-20. Review status: criteria provided, single submitter. Criteria: Invitae Variant Classification Sherloc (09022015). Collection method: clinical testing. Allele origin: germline.
Comment: Algorithms developed to predict the effect of missense changes on protein structure and function are either unavailable or do not agree on the potential impact of this missense change (SIFT: "Not Available"; PolyPhen-2: "Benign"; Align-GVGD: "Not Available"). In summary, the available evidence is currently insufficient to determine the role of this variant in disease. Therefore, it has been classified as a Variant of Uncertain Significance. This variant has not been reported in the literature in individuals affected with ADAMTS17-related conditions. This variant is not present in population databases (gnomAD no frequency). This sequence change replaces tryptophan, which is neutral and slightly polar, with leucine, which is neutral and non-polar, at codon 549 of the ADAMTS17 protein (p.Trp549Leu).